The following is an entry in ClinVar:

ClinVar aggregate classification (germline): Conflicting classifications of pathogenicity. Review status: criteria provided, conflicting classifications (1 of 4 stars). 2 submissions from 2 submitters: Uncertain significance (1); Likely benign (1). Last evaluated 2026-03-05.

Conditions:
Cardiovascular phenotype. Identifiers: MedGen CN230736.

Allele frequency attached by ClinVar (database versions not stated): gnomAD 0.00001; TOPMed 0.00003.
gnomAD v4.1: 16 of 1,536,432 alleles (0.001%); highest among the groups gnomAD compares: Admixed American, 0.022%; no homozygotes.

Submissions (2):

Women's Health and Genetics/Laboratory Corporation of America, LabCorp
Classification: Uncertain significance. Last evaluated: 2026-03-05. Review status: criteria provided, single submitter. Criteria: LabCorp Variant Classification Summary - May 2015. Collection method: clinical testing. Allele origin: germline.
Comment: Variant summary: ZNF469 c.10111C>T (p.Pro3371Ser) results in a non-conservative amino acid change in the encoded protein sequence. Algorithms developed to predict the effect of missense changes on protein structure and function are either unavailable or do not agree on the potential impact of this missense change. The variant allele was found at a frequency of 5.1e-05 in 137636 control chromosomes. The available data on variant occurrences in the general population are insufficient to allow any conclusion about variant significance. To our knowledge, no occurrence of c.10111C>T in individuals affected with ZNF469-related conditions and no experimental evidence demonstrating its impact on protein function have been reported. ClinVar contains an entry for this variant (Variation ID: 3232720). Based on the evidence outlined above, the variant was classified as uncertain significance.

Ambry Genetics
Classification: Likely benign for Cardiovascular phenotype. Last evaluated: 2023-11-21. Review status: criteria provided, single submitter. Criteria: Ambry Variant Classification Scheme 2023. Collection method: clinical testing. Allele origin: germline.

NM_001367624.2(ZNF469):c.10111C>T (p.Pro3371Ser)

Genes: ZNF469 (zinc finger protein 469; plus strand), LOC130059719 (ATAC-STARR-seq lymphoblastoid silent region 7848; plus strand). Cytogenetic location: 16q24.2.
Variant type: single nucleotide variant.
Coding change: c.10111C>T on transcript NM_001367624.2 (MANE Select); coding-DNA position 10111, C replaced by T.
Protein change: p.Pro3371Ser; replaces proline 3371 with serine.
Molecular consequence: missense variant.
Genome position (GRCh38, 1-based): chr16:88,437,581, C>T. VCF-style: chr16-88437581-C-T. GRCh37 (hg19) VCF-style: chr16-88503989-C-T.
Other names: NM_001127464.1:c.10027C>T; short protein forms P3371S.
Identifiers: ClinVar variation 3232720 (VCV003232720.2), dbSNP rs1369970562, ClinGen allele CA397125727.